The following is an entry in ClinVar:

NM_182961.4(SYNE1):c.508C>T (p.Arg170Trp)

Gene: SYNE1 (spectrin repeat containing nuclear envelope protein 1; minus strand). Cytogenetic location: 6q25.2.
Variant type: single nucleotide variant.
Coding change: c.508C>T on transcript NM_182961.4 (MANE Select); coding-DNA position 508, C replaced by T.
Protein change: p.Arg170Trp; replaces arginine 170 with tryptophan.
Molecular consequence: missense variant.
Genome position (GRCh38, 1-based): chr6:152,510,266, G>A on the plus strand (C>T on the coding strand, the complement: SYNE1 is on the minus strand). VCF-style: chr6-152510266-G-A. GRCh37 (hg19) VCF-style: chr6-152831401-G-A.
Other names: c.529C>T, p.Arg177Trp (NM_033071.5); c.508C>T (NM_182961.2); short protein forms R170W, R177W.
Identifiers: ClinVar variation 282406 (VCV000282406.12), dbSNP rs777175001, ClinGen allele CA4059710.
Genomic context (GRCh38, chr6:152,510,266, plus strand): 5'-ACTGAACCCACTTTAATAAAGCCTTCTTAGCATTTCCTTGGATCTTGGTGGTCACCTTCC[G>A]TTTACTTGGTGGGCTGGGAGTCTCAGAGCTAACTATGCTGTCCACGGAGGATGCGCTGCT-3'
Protein context (NP_892006.3, residues 160-180): SSETPSPPSK[Arg170Trp]KVTTKIQGNA

ClinVar aggregate classification (germline): Uncertain significance. Review status: criteria provided, multiple submitters, no conflicts (2 of 4 stars). 6 submissions from 6 submitters: Uncertain significance (6). Last evaluated 2024-04-17.

Conditions:
Autosomal recessive ataxia, Beauce type. Also called: Spinocerebellar ataxia, autosomal recessive 8; ATAXIA, RECESSIVE, OF BEAUCE; SYNE1-Related Autosomal Recessive Cerebellar Ataxia; SYNE1 Deficiency. Identifiers: Orphanet 88644, MedGen C1853116, MONDO:0012549, OMIM 610743.
Emery-Dreifuss muscular dystrophy 4, autosomal dominant (EDMD4). Also called: EMERY-DREIFUSS MUSCULAR DYSTROPHY 4 WITH VARIABLE FEATURES. Identifiers: Orphanet 261, MedGen C2751807, MONDO:0013071, OMIM 612998.
Inborn genetic diseases. Identifiers: MedGen C0950123, MeSH D030342.

Allele frequency attached by ClinVar (database versions not stated): gnomAD 0.00001; TOPMed 0.00005.
gnomAD v4.1: 91 of 1,613,588 alleles (0.0056%); highest among the groups gnomAD compares: Admixed American, 0.083%; no homozygotes.

Submissions (6):

Athena Diagnostics
Classification: Uncertain significance. Last evaluated: 2024-04-17. Review status: criteria provided, single submitter. Criteria: Athena Diagnostics Criteria. Collection method: clinical testing. Allele origin: unknown.
Comment: Available data are insufficient to determine the clinical significance of the variant at this time. The frequency of this variant in the general population is higher than would generally be expected for pathogenic variants in this gene. Computational tools disagree on the variant's effect on normal protein function.

Labcorp Genetics (formerly Invitae), Labcorp
Classification: Uncertain significance for Emery-Dreifuss muscular dystrophy 4, autosomal dominant; Autosomal recessive ataxia, Beauce type. Last evaluated: 2024-01-23. Review status: criteria provided, single submitter. Criteria: Invitae Variant Classification Sherloc (09022015). Collection method: clinical testing. Allele origin: germline.
Comment: This sequence change replaces arginine, which is basic and polar, with tryptophan, which is neutral and slightly polar, at codon 177 of the SYNE1 protein (p.Arg177Trp). This variant is present in population databases (rs777175001, gnomAD 0.1%). This variant has not been reported in the literature in individuals affected with SYNE1-related conditions. ClinVar contains an entry for this variant (Variation ID: 282406). An algorithm developed to predict the effect of missense changes on protein structure and function (PolyPhen-2) suggests that this variant is likely to be disruptive. In summary, the available evidence is currently insufficient to determine the role of this variant in disease. Therefore, it has been classified as a Variant of Uncertain Significance.

Revvity Omics, Revvity
Classification: Uncertain significance. Last evaluated: 2023-08-29. Review status: criteria provided, single submitter. Criteria: ACMG Guidelines, 2015. Collection method: clinical testing. Allele origin: germline.

Ambry Genetics
Classification: Uncertain significance for Inborn genetic diseases. Last evaluated: 2021-10-05. Review status: criteria provided, single submitter. Criteria: Ambry Variant Classification Scheme 2023. Collection method: clinical testing. Allele origin: germline.

Baylor Genetics
Classification: Uncertain significance for Emery-Dreifuss muscular dystrophy 4, autosomal dominant. Last evaluated: 2018-03-01. Review status: criteria provided, single submitter. Criteria: ACMG Guidelines, 2015. Collection method: clinical testing. Allele origin: maternal. Affected: yes.
Comment: This variant was determined to be of uncertain significance according to ACMG Guidelines, 2015 [PMID:25741868].

Eurofins Ntd Llc (ga)
Classification: Uncertain significance. Last evaluated: 2015-08-07. Review status: criteria provided, single submitter. Criteria: EGL Classification Definitions 2015. Collection method: clinical testing. Allele origin: germline. Observed: 1 variant allele, 1 heterozygote.